The following is an entry in ClinVar:

ClinVar aggregate classification (germline): Benign/Likely benign. Review status: criteria provided, multiple submitters, no conflicts (2 of 4 stars). 8 submissions from 8 submitters: Benign (7); Likely benign (1). Last evaluated 2026-04-28.

Conditions:
Colorectal cancer, susceptibility to, 1. Also called: COLORECTAL ADENOMA AND CANCER, SUSCEPTIBILITY TO; COLORECTAL CANCER, SUSCEPTIBILITY TO, ON CHROMOSOME 9. Identifiers: MedGen C1837315, MONDO:0012132, OMIM 608812.
Hereditary cancer-predisposing syndrome. Also called: Tumor predisposition; Hereditary Cancer Syndrome; Neoplastic Syndromes, Hereditary; Hereditary neoplastic syndrome. Identifiers: Orphanet 140162, MedGen C0027672, MeSH D009386, MONDO:0015356.

Allele frequency attached by ClinVar (database versions not stated): ESP Exome Variant Server 0.08319; TOPMed 0.09964; 1000 Genomes Project 30x 0.13960; 1000 Genomes Project 0.14157.

Submissions (8):

Myriad Genetics, Inc.
Classification: Benign for Colorectal cancer, susceptibility to, 1. Last evaluated: 2026-04-28. Review status: criteria provided, single submitter. Criteria: Myriad Autosomal Dominant, Autosomal Recessive and X-Linked Classification Criteria (2023). Collection method: clinical testing. Allele origin: unknown.
Comment: This variant is considered benign. This variant is a silent/synonymous amino acid change and it is not expected to impact splicing.

Labcorp Genetics (formerly Invitae), Labcorp
Classification: Benign. Last evaluated: 2026-02-03. Review status: criteria provided, single submitter. Criteria: Invitae Variant Classification Sherloc (09022015). Collection method: clinical testing. Allele origin: germline.

GeneKor MSA
Classification: Benign for Hereditary cancer-predisposing syndrome. Last evaluated: 2025-07-10. Review status: criteria provided, single submitter. Criteria: ACMG Guidelines, 2015. Collection method: clinical testing. Allele origin: germline.

Institute for Biomarker Research, Medical Diagnostic Laboratories, L.L.C.
Classification: Benign for Hereditary cancer-predisposing syndrome. Last evaluated: 2024-12-23. Review status: criteria provided, single submitter. Criteria: ACMG Guidelines, 2015. Collection method: clinical testing. Allele origin: germline.
Comment: The synonymous variant NM_024642.5(GALNT12):c.1707G>C (p.Ser569=) has been reported to ClinVar as Benign with a status of (2 stars) criteria provided, multiple submitters, no conflicts (Variation ID 485634 as of 2024-12-05). The p.Ser569= variant is predicted to introduce a novel splice site by 1 of 4 splice site algorithms. The p.Ser569= variant results in a substitution of a base that is not predicted conserved by GERP++ and PhyloP. For these reasons, this variant has been classified as Benign

Blueprint Genetics
Classification: Likely benign. Last evaluated: 2024-11-27. Review status: criteria provided, single submitter. Criteria: ACMG Guidelines, 2015. Collection method: clinical testing. Allele origin: germline.

GeneDx
Classification: Benign. Last evaluated: 2018-06-22. Review status: criteria provided, single submitter. Criteria: GeneDx Variant Classification Process June 2021. Collection method: clinical testing. Allele origin: germline. Affected: yes.

Ambry Genetics
Classification: Benign. Last evaluated: 2016-08-10. Review status: criteria provided, single submitter. Criteria: Ambry Variant Classification Scheme 2023. Collection method: clinical testing. Allele origin: germline.

Breakthrough Genomics
Classification: Benign. Review status: criteria provided, single submitter. Criteria: ACMG Guidelines, 2015. Collection method: not provided. Allele origin: germline. Inheritance: Unknown mechanism. Affected: yes.

NM_024642.5(GALNT12):c.1707G>C (p.Ser569=)

Gene: GALNT12 (polypeptide N-acetylgalactosaminyltransferase 12; plus strand). Cytogenetic location: 9q22.33.
Variant type: single nucleotide variant.
Coding change: c.1707G>C on transcript NM_024642.5 (MANE Select); coding-DNA position 1707, G replaced by C.
Protein change: p.Ser569=; no amino-acid change (serine 569 retained).
Molecular consequence: synonymous variant.
Genome position (GRCh38, 1-based): chr9:98,849,053, G>C. VCF-style: chr9-98849053-G-C. GRCh37 (hg19) VCF-style: chr9-101611335-G-C.
Identifiers: ClinVar variation 485634 (VCV000485634.21), dbSNP rs2273846, ClinGen allele CA5154351.